The following is an entry in ClinVar:

NM_000517.6(HBA2):c.64G>C (p.Ala22Pro)

Genes: HBA2 (hemoglobin subunit alpha 2; plus strand), LOC106804612 (hemoglobin subunit alpha 2 recombination region; plus strand). Cytogenetic location: 16p13.3.
Variant type: single nucleotide variant.
Coding change: c.64G>C on transcript NM_000517.6 (MANE Select); coding-DNA position 64, G replaced by C.
Protein change: p.Ala22Pro; replaces alanine 22 with proline.
Molecular consequence: missense variant.
Genome position (GRCh38, 1-based): chr16:172,976, G>C. VCF-style: chr16-172976-G-C. GRCh37 (hg19) VCF-style: chr16-222975-G-C.
Other names: short protein forms A22P.
Identifiers: ClinVar variation 801178 (VCV000801178.20), dbSNP rs281864817, ClinGen allele CA276414422.

ClinVar aggregate classification (germline): Conflicting classifications of pathogenicity. Review status: criteria provided, conflicting classifications (1 of 4 stars). 2 submissions from 2 submitters: Uncertain significance (1); Likely benign (1). Last evaluated 2025-07-10.

Allele frequency attached by ClinVar (database versions not stated): gnomAD exomes 0.00002.

Submissions (2):

ARUP Laboratories, Molecular Genetics and Genomics, ARUP Laboratories
Classification: Likely benign. Last evaluated: 2025-07-10. Review status: criteria provided, single submitter. Criteria: ARUP Molecular Germline Variant Investigation Process 2024. Collection method: clinical testing. Allele origin: germline.
Comment: The Hb Fontainebleau variant (HBA2 c.64G>C; p.Ala22Pro, also known as or Ala21Pro when numbered from the mature protein; rs281864817, HbVar ID: 30) is reported in the literature in individuals with no clinical symptoms, both in the homozygous and heterozygous states (Mashron 2013, HbVar database and references therein). In combination with pathogenic alpha globin variants, the Hb Fontainebleau variant does not appear to exacerbate clinical symptoms or worsen hematological parameters (Daar 2018, Turner 2014). The Hb Fontainebleau variant is only observed on one allele in the Genome Aggregation Database, indicating it is not a common polymorphism. Computational analyses are uncertain whether this variant is neutral or deleterious (REVEL: 0.572). Based on available information, the Hb Fontainebleau variant is considered to be likely benign. References: Link to HbVar database for Hb Fontainebleau: Daar S et al. Haemoglobin Fontainebleau (HBA2: c. 64G>C) in Oman: molecular and haematological characteristics and interaction with various haemoglobinopathies. J Clin Pathol. 2018 Apr;71(4):303-308. PMID: 28784617. Mashon RS et al. Hemoglobin Fontainebleau [a21(B2)Ala>Pro]: The second report from India. Indian J Hum Genet. 2013 Jul;19(3):352-4. PMID: 24339552. Turner A et al. Hb Fontainebleau (HBA2: c.64G?>?C) in the United Arab Emirates. Hemoglobin. 2014;38(3):216-20. PMID: 24826794.

Quest Diagnostics Nichols Institute San Juan Capistrano
Classification: Uncertain significance. Last evaluated: 2024-12-09. Review status: criteria provided, single submitter. Criteria: Quest Diagnostics criteria. Collection method: clinical testing. Allele origin: unknown.
Comment: The HB2 c.64G>C (p.Ala22Pro), also known as Hb Fontainebleau, variant is reported as having normal stability (see HbVar,, PMID: 2599878 (2009)). This variant has been observed in a screening study of alpha thalassemia carriers (PMID: 29627922 (2018)). It has also been detected in an individual with suspected hemoglobinopathy (PMID: 38708170 (2024)). The variant has been reported in homozygous and compound heterozygous individuals with microcytosis (PMID: 22461654 (2012), 24826794 (2014), 26036869 (2015), and 30728682 (2019)) as well as in individuals with normal red cell indices (PMID: 19657841 (2009)). Based on the available information, we are unable to determine the clinical significance of this variant.

Literature cited by the submitters: PubMed 38708170 (cited by Quest Diagnostics Nichols Institute San Juan Capistrano); PubMed 32597250 (cited by Quest Diagnostics Nichols Institute San Juan Capistrano); PubMed 32420790 (cited by Quest Diagnostics Nichols Institute San Juan Capistrano); PubMed 31553106 (cited by Quest Diagnostics Nichols Institute San Juan Capistrano); PubMed 29627922 (cited by Quest Diagnostics Nichols Institute San Juan Capistrano); PubMed 24826794 (cited by Quest Diagnostics Nichols Institute San Juan Capistrano); PubMed 24339552 (cited by Quest Diagnostics Nichols Institute San Juan Capistrano); PubMed 19657841 (cited by Quest Diagnostics Nichols Institute San Juan Capistrano); PubMed 28784617 (cited by Quest Diagnostics Nichols Institute San Juan Capistrano); PubMed 2599878 (cited by Quest Diagnostics Nichols Institute San Juan Capistrano); PubMed 26036869 (cited by Quest Diagnostics Nichols Institute San Juan Capistrano); PubMed 30728682 (cited by Quest Diagnostics Nichols Institute San Juan Capistrano); PubMed 27020723 (cited by Quest Diagnostics Nichols Institute San Juan Capistrano); PubMed 22461654 (cited by Quest Diagnostics Nichols Institute San Juan Capistrano).